The following is an entry in ClinVar:

NM_006087.4(TUBB4A):c.342C>T (p.Asp114=)

Gene: TUBB4A (tubulin beta 4A class IVa; minus strand). Cytogenetic location: 19p13.3.
Variant type: single nucleotide variant.
Coding change: c.342C>T on transcript NM_006087.4 (MANE Select); coding-DNA position 342, C replaced by T.
Protein change: p.Asp114=; no amino-acid change (aspartic acid 114 retained).
Molecular consequence: synonymous variant.
Genome position (GRCh38, 1-based): chr19:6,496,157, G>A on the plus strand (C>T on the coding strand, the complement: TUBB4A is on the minus strand). VCF-style: chr19-6496157-G-A. GRCh37 (hg19) VCF-style: chr19-6496168-G-A.
Other names: p.Asp114=; c.495C>T, p.Asp165= (NM_001289123.2); c.477C>T, p.Asp159= (NM_001289127.2); c.342C>T, p.Asp114= (NM_001289129.2); c.126C>T, p.Asp42= (NM_001289130.2, NM_001289131.2).
Identifiers: ClinVar variation 330265 (VCV000330265.15), dbSNP rs61741669, ClinGen allele CA9127387.

ClinVar aggregate classification (germline): Benign. Review status: criteria provided, multiple submitters, no conflicts (2 of 4 stars). 6 submissions from 5 submitters: Benign (6). Last evaluated 2026-01-30.

Conditions:
Leukodystrophy, hypomyelinating, 6. Also called: LEUKODYSTROPHY, HYPOMYELINATING, WITH ATROPHY OF THE BASAL GANGLIA AND CEREBELLUM; TUBB4A-Associated Leukodystrophy; Hypomyelination with Atrophy of Basal Ganglia and Cerebellum (H-ABC). Identifiers: Orphanet 139441, MedGen C2676244, MONDO:0012905, OMIM 612438.
Torsion dystonia 4. Also called: DYT-TUBB4A (Autosomal Dominant Torsion Dystonia); DYSTONIA MUSCULORUM DEFORMANS 4. Identifiers: Orphanet 98805, MedGen C1851943, MONDO:0007493, OMIM 128101.

Allele frequency attached by ClinVar (database versions not stated): gnomAD exomes 0.00316 and 0.00878; ExAC 0.01076; gnomAD 0.03373 and 0.03618; TOPMed 0.03782; 1000 Genomes Project 0.03854; ESP Exome Variant Server 0.03883; 1000 Genomes Project 30x 0.04076.
gnomAD v4.1: 9,958 of 1,614,102 alleles (0.62%); highest among the groups gnomAD compares: African/African-American, 12%; 541 homozygotes.

Submissions (6):

Labcorp Genetics (formerly Invitae), Labcorp
Classification: Benign for Leukodystrophy, hypomyelinating, 6. Last evaluated: 2026-01-30. Review status: criteria provided, single submitter. Criteria: Invitae Variant Classification Sherloc (09022015). Collection method: clinical testing. Allele origin: germline.

Mayo Clinic Laboratories, Mayo Clinic
Classification: Benign. Last evaluated: 2023-05-22. Review status: criteria provided, single submitter. Criteria: ACMG Guidelines, 2015. Collection method: clinical testing. Allele origin: germline. Observed: 9 variant alleles.

Illumina Laboratory Services, Illumina
Classification: Benign for Leukodystrophy, hypomyelinating, 6. Last evaluated: 2017-04-27. Review status: criteria provided, single submitter. Criteria: ICSL Variant Classification Criteria 13 December 2019. Collection method: clinical testing. Allele origin: germline.
Comment: This variant was observed as part of a predisposition screen in an ostensibly healthy population. A literature search was performed for the gene, cDNA change, and amino acid change (where applicable). No publications were found based on this search. Allele frequency data from public databases was too high to be consistent with this variant causing disease. Therefore, this variant is classified as benign.

Illumina Laboratory Services, Illumina
Classification: Benign for Torsion dystonia 4. Last evaluated: 2017-04-27. Review status: criteria provided, single submitter. Criteria: ICSL Variant Classification Criteria 13 December 2019. Collection method: clinical testing. Allele origin: germline.
Comment: the same text as in the submission from Illumina Laboratory Services, Illumina above.

GeneDx
Classification: Benign. Last evaluated: 2016-06-22. Review status: criteria provided, single submitter. Criteria: GeneDx Variant Classification (06012015). Collection method: clinical testing. Allele origin: germline. Affected: yes.
Comment: This variant is considered likely benign or benign based on one or more of the following criteria: it is a conservative change, it occurs at a poorly conserved position in the protein, it is predicted to be benign by multiple in silico algorithms, and/or has population frequency not consistent with disease.

Breakthrough Genomics
Classification: Benign. Review status: criteria provided, single submitter. Criteria: ACMG Guidelines, 2015. Collection method: not provided. Allele origin: germline. Inheritance: Autosomal dominant inheritance. Affected: yes.